The following is an entry in ClinVar:

NM_212482.4(FN1):c.277+2dup

Gene: FN1 (fibronectin 1; minus strand). Cytogenetic location: 2q35.
Variant type: Duplication.
Coding change: c.277+2dup on transcript NM_212482.4 (MANE Select); the canonical splice donor site of the intron after coding-DNA position 277, one base duplicated (T; older notation c.277+2dupT).
Molecular consequence: splice donor variant.
Genome position (GRCh38, 1-based): chr2:215,434,694, A duplicated on the plus strand (T on the coding strand, the reverse complement: FN1 is on the minus strand). VCF-style (leftmost placement, unchanged base first): chr2-215434693-T-TA. GRCh37 (hg19) VCF-style: chr2-216299416-T-TA.
Other names: c.277+2dup (NM_212474.3, NM_001306132.2, NM_001365523.2 and 14 more transcripts).
Identifiers: ClinVar variation 4724794 (VCV004724794.1).

ClinVar aggregate classification (germline): Uncertain significance (1 of 4 stars; one submission).

Submission:

Labcorp Genetics (formerly Invitae), Labcorp
Classification: Uncertain significance. Last evaluated: 2025-08-18. Review status: criteria provided, single submitter. Criteria: Invitae Variant Classification Sherloc (09022015). Collection method: clinical testing. Allele origin: germline.
Comment: This sequence change falls in intron 2 of the FN1 gene. It does not directly change the encoded amino acid sequence of the FN1 protein. It affects a nucleotide within the consensus splice site. This variant is not present in population databases (gnomAD no frequency). This variant has not been reported in the literature in individuals affected with FN1-related conditions. Variants that disrupt the consensus splice site are a relatively common cause of aberrant splicing (PMID: 17576681, 9536098). Algorithms developed to predict the effect of sequence changes on RNA splicing suggest that this variant may disrupt the consensus splice site. In summary, the available evidence is currently insufficient to determine the role of this variant in disease. Therefore, it has been classified as a Variant of Uncertain Significance.

Literature cited by the submitters: PubMed 17576681; PubMed 9536098.